The following is an entry in ClinVar:

ClinVar aggregate classification (germline): Uncertain significance (1 of 4 stars; one submission).

Submission:

GeneDx
Classification: Uncertain significance. Last evaluated: 2019-10-21. Review status: criteria provided, single submitter. Criteria: GeneDx Variant Classification Process June 2021. Collection method: clinical testing. Allele origin: germline. Affected: yes.
Comment: Has not been previously published as pathogenic or benign to our knowledge; Not observed in large population cohorts (Lek et al., 2016); In silico analysis, which includes protein predictors and evolutionary conservation, supports that this variant does not alter protein structure/function

NM_030912.3(TRIM8):c.1351G>A (p.Ala451Thr)

Gene: TRIM8 (tripartite motif containing 8; plus strand). Cytogenetic location: 10q24.32.
Variant type: single nucleotide variant.
Coding change: c.1351G>A on transcript NM_030912.3 (MANE Select); coding-DNA position 1351, G replaced by A.
Protein change: p.Ala451Thr; replaces alanine 451 with threonine.
Molecular consequence: missense variant. On other transcripts: non-coding transcript variant (1).
Genome position (GRCh38, 1-based): chr10:102,657,049, G>A. VCF-style: chr10-102657049-G-A. GRCh37 (hg19) VCF-style: chr10-104416806-G-A.
Other names: c.1255G>A, p.Ala419Thr (NM_001345950.1); short protein forms A419T, A451T.
Identifiers: ClinVar variation 1317484 (VCV001317484.2), dbSNP rs2135985116, ClinGen allele CA377932235.